The following is an entry in ClinVar:

NM_007254.4(PNKP):c.107G>T (p.Gly36Val)

Gene: PNKP (polynucleotide kinase 3'-phosphatase; minus strand). Cytogenetic location: 19q13.33.
Variant type: single nucleotide variant.
Coding change: c.107G>T on transcript NM_007254.4 (MANE Select); coding-DNA position 107, G replaced by T.
Protein change: p.Gly36Val; replaces glycine 36 with valine.
Molecular consequence: missense variant.
Genome position (GRCh38, 1-based): chr19:49,867,098, C>A on the plus strand (G>T on the coding strand, the complement: PNKP is on the minus strand). VCF-style: chr19-49867098-C-A. GRCh37 (hg19) VCF-style: chr19-50370355-C-A.
Other names: short protein forms G36V.
Identifiers: ClinVar variation 967840 (VCV000967840.8), dbSNP rs756589726, ClinGen allele CA309502282.

ClinVar aggregate classification (germline): Uncertain significance (1 of 4 stars; one submission).

Conditions:
Developmental and epileptic encephalopathy, 12 (DEE12). Identifiers: MedGen C3150988, MONDO:0013389, OMIM 613722.

Allele frequency attached by ClinVar (database versions not stated): TOPMed 0.00002.
gnomAD v4.1: 5 of 1,613,608 alleles (0.00031%); highest among the groups gnomAD compares: African/African-American, 0.0067%; no homozygotes.

Submission:

Labcorp Genetics (formerly Invitae), Labcorp
Classification: Uncertain significance for Developmental and epileptic encephalopathy, 12. Last evaluated: 2023-11-27. Review status: criteria provided, single submitter. Criteria: Invitae Variant Classification Sherloc (09022015). Collection method: clinical testing. Allele origin: germline.
Comment: This sequence change replaces glycine, which is neutral and non-polar, with valine, which is neutral and non-polar, at codon 36 of the PNKP protein (p.Gly36Val). This variant is present in population databases (no rsID available, gnomAD 0.01%). This variant has not been reported in the literature in individuals affected with PNKP-related conditions. ClinVar contains an entry for this variant (Variation ID: 967840). An algorithm developed to predict the effect of missense changes on protein structure and function (PolyPhen-2) suggests that this variant is likely to be disruptive. In summary, the available evidence is currently insufficient to determine the role of this variant in disease. Therefore, it has been classified as a Variant of Uncertain Significance.